The following is an entry in ClinVar:

NM_000548.5(TSC2):c.2324C>T (p.Ser775Phe)

Gene: TSC2 (TSC complex subunit 2; plus strand). Cytogenetic location: 16p13.3.
Variant type: single nucleotide variant.
Coding change: c.2324C>T on transcript NM_000548.5 (MANE Select); coding-DNA position 2324, C replaced by T.
Protein change: p.Ser775Phe; replaces serine 775 with phenylalanine.
Molecular consequence: missense variant.
Genome position (GRCh38, 1-based): chr16:2,072,952, C>T. VCF-style: chr16-2072952-C-T. GRCh37 (hg19) VCF-style: chr16-2122953-C-T.
Other names: c.2324C>T, p.Ser775Phe (NM_001077183.3, NM_001114382.3, NM_001363528.2 and 3 more transcripts); c.2213C>T, p.Ser738Phe (NM_001318827.2); c.2177C>T, p.Ser726Phe (NM_001318829.2); c.1724C>T, p.Ser575Phe (NM_001318831.2); c.2357C>T, p.Ser786Phe (NM_001318832.2); short protein forms S575F, S726F, S738F, S775F, S786F.
Identifiers: ClinVar variation 1002262 (VCV001002262.13), dbSNP rs2088701360, ClinGen allele CA394276651.

ClinVar aggregate classification (germline): Uncertain significance. Review status: criteria provided, multiple submitters, no conflicts (2 of 4 stars). 3 submissions from 3 submitters: Uncertain significance (3). Last evaluated 2024-09-23.

Conditions:
Hereditary cancer-predisposing syndrome. Also called: Hereditary neoplastic syndrome; Neoplastic Syndromes, Hereditary; Tumor predisposition; Hereditary Cancer Syndrome. Identifiers: Orphanet 140162, MedGen C0027672, MeSH D009386, MONDO:0015356.
Tuberous sclerosis 2 (TSC2). Identifiers: Orphanet 805, MedGen C1860707, MONDO:0013199, OMIM 613254.
Lymphangiomyomatosis (LAM). Also called: Lymphangioleiomyomatosis; Lymphangioleiomyomatosis, somatic. Identifiers: Orphanet 538, MedGen C0751674, MONDO:0011705, OMIM 606690.
Isolated focal cortical dysplasia type II (FCORD2). Also called: Focal cortical dysplasia type II; CORTICAL DYSPLASIA OF TAYLOR. Identifiers: Orphanet 268994, MedGen C1846385, MONDO:0011818, OMIM 607341, HP:0032051.

Allele frequency attached by ClinVar (database versions not stated): TOPMed below 0.00001.
gnomAD v4.1: 2 of 1,613,618 alleles (0.00012%); highest among the groups gnomAD compares: Non-Finnish European, 0.00017%; no homozygotes.

Submissions (3):

Ambry Genetics
Classification: Uncertain significance for Hereditary cancer-predisposing syndrome. Last evaluated: 2024-09-23. Review status: criteria provided, single submitter. Criteria: Ambry Variant Classification Scheme 2023. Collection method: clinical testing. Allele origin: germline.
Comment: The p.S775F variant (also known as c.2324C>T), located in coding exon 20 of the TSC2 gene, results from a C to T substitution at nucleotide position 2324. The serine at codon 775 is replaced by phenylalanine, an amino acid with highly dissimilar properties. This amino acid position is highly conserved in available vertebrate species. In addition, this alteration is predicted to be deleterious by in silico analysis. Based on the available evidence, the clinical significance of this variant remains unclear.

Fulgent Genetics
Classification: Uncertain significance for Lymphangiomyomatosis; Isolated focal cortical dysplasia type II; Tuberous sclerosis 2. Last evaluated: 2022-05-17. Review status: criteria provided, single submitter. Criteria: ACMG Guidelines, 2015. Collection method: clinical testing. Allele origin: unknown.

Labcorp Genetics (formerly Invitae), Labcorp
Classification: Uncertain significance for Tuberous sclerosis 2. Last evaluated: 2022-01-14. Review status: criteria provided, single submitter. Criteria: Invitae Variant Classification Sherloc (09022015). Collection method: clinical testing. Allele origin: germline.
Comment: This sequence change replaces serine, which is neutral and polar, with phenylalanine, which is neutral and non-polar, at codon 775 of the TSC2 protein (p.Ser775Phe). This variant is not present in population databases (gnomAD no frequency). This variant has not been reported in the literature in individuals affected with TSC2-related conditions. ClinVar contains an entry for this variant (Variation ID: 1002262). Algorithms developed to predict the effect of missense changes on protein structure and function are either unavailable or do not agree on the potential impact of this missense change (SIFT: "Tolerated"; PolyPhen-2: "Probably Damaging"; Align-GVGD: "Class C0"). In summary, the available evidence is currently insufficient to determine the role of this variant in disease. Therefore, it has been classified as a Variant of Uncertain Significance.